The following is an entry in ClinVar:

NM_001458.5(FLNC):c.5644A>G (p.Ile1882Val)

Genes: FLNC (filamin C; plus strand), FLNC-AS1 (FLNC antisense RNA 1; minus strand). Cytogenetic location: 7q32.1.
Variant type: single nucleotide variant.
Coding change: c.5644A>G on transcript NM_001458.5 (MANE Select); coding-DNA position 5644, A replaced by G.
Protein change: p.Ile1882Val; replaces isoleucine 1882 with valine.
Molecular consequence: missense variant.
Genome position (GRCh38, 1-based): chr7:128,851,336, A>G. VCF-style: chr7-128851336-A-G. GRCh37 (hg19) VCF-style: chr7-128491390-A-G.
Other names: c.5545A>G, p.Ile1849Val (NM_001127487.2); short protein forms I1882V, I1849V.
Identifiers: ClinVar variation 287215 (VCV000287215.60), dbSNP rs184018403, ClinGen allele CA4475740.
Genomic context (GRCh38, chr7:128,851,336, plus strand): 5'-GTCAGTGCCTATGGGCCAGGCCTGAGCCATGGCATGGTCAACAAGCCAGCCACCTTCACT[A>G]TTGTCACCAAAGATGCTGGAGAAGGTGAGGGAGCTGCAGGTCGCAGGCTGGGGTGGAGAC-3'
Protein context (NP_001449.3, residues 1872-1892): GMVNKPATFT[Ile1882Val]VTKDAGEGGL

ClinVar aggregate classification (germline): Conflicting classifications of pathogenicity. Review status: criteria provided, conflicting classifications (1 of 4 stars). 16 submissions from 16 submitters: Uncertain significance (1); Benign (3); Likely benign (7). 5 of the submissions do not count toward it. Last evaluated 2026-08-01.

Conditions:
Cardiovascular phenotype. Identifiers: MedGen CN230736.
Cardiomyopathy (CMYO). Also called: Cardiomyopathies. Identifiers: Orphanet 167848, MedGen C0878544, MONDO:0004994, HP:0001638. Inheritance: Various modes of inheritance.
FLNC-related disorder. Also called: FLNC-related condition; FLNC-related disorders.
Myofibrillar myopathy 5. Also called: Filaminopathy (type); FILAMINOPATHY, AUTOSOMAL DOMINANT. Identifiers: Orphanet 171445, MedGen C1836050, MONDO:0012289, OMIM 609524.
Distal myopathy with posterior leg and anterior hand involvement. Also called: WILLIAMS DISTAL MYOPATHY. Identifiers: Orphanet 63273, MedGen C3279722, MONDO:0013550, OMIM 614065.
Hypertrophic cardiomyopathy 26. Also called: Cardiomyopathy, familial hypertrophic, 26. Identifiers: Orphanet 75249, MedGen C4310749, MONDO:0014883, OMIM 617047.

Allele frequency attached by ClinVar (database versions not stated): ExAC 0.00096; gnomAD exomes 0.00107 and 0.00164; gnomAD 0.00151 and 0.00160; ESP Exome Variant Server 0.00172; TOPMed 0.00186; 1000 Genomes Project 0.00060; 1000 Genomes Project 30x 0.00078.
gnomAD v4.1: 2,603 of 1,614,082 alleles (0.16%); highest among the groups gnomAD compares: Admixed American, 0.25%; 3 homozygotes.

Submissions (16):

CeGaT Center for Human Genetics Tuebingen
Classification: Likely benign. Last evaluated: 2026-08-01. Review status: criteria provided, single submitter. Criteria: CeGaT Center For Human Genetics Tuebingen Variant Classification Criteria Version 2. Collection method: clinical testing. Allele origin: germline. Affected: yes. Observed: 15 variant alleles.
Comment: FLNC: BS1

Labcorp Genetics (formerly Invitae), Labcorp
Classification: Likely benign for Distal myopathy with posterior leg and anterior hand involvement; Myofibrillar myopathy 5; Hypertrophic cardiomyopathy 26. Last evaluated: 2026-02-03. Review status: criteria provided, single submitter. Criteria: Invitae Variant Classification Sherloc (09022015). Collection method: clinical testing. Allele origin: germline.

ARUP Laboratories, Molecular Genetics and Genomics, ARUP Laboratories
Classification: Likely benign. Last evaluated: 2025-04-21. Review status: criteria provided, single submitter. Criteria: ARUP Molecular Germline Variant Investigation Process 2024. Collection method: clinical testing. Allele origin: germline.

Molecular Diagnostic Laboratory for Inherited Cardiovascular Disease, Montreal Heart Institute
Classification: Likely benign. Last evaluated: 2025-04-09. Review status: criteria provided, single submitter. Criteria: ACMG Guidelines, 2015. Collection method: clinical testing. Allele origin: germline. Affected: no.

Blueprint Genetics
Classification: Likely benign. Last evaluated: 2024-11-27. Review status: criteria provided, single submitter. Criteria: ACMG Guidelines, 2015. Collection method: clinical testing. Allele origin: germline.

Women's Health and Genetics/Laboratory Corporation of America, LabCorp
Classification: Likely benign. Last evaluated: 2024-11-15. Review status: criteria provided, single submitter. Criteria: LabCorp Variant Classification Summary - May 2015. Collection method: clinical testing. Allele origin: germline.

CHEO Genetics Diagnostic Laboratory, Children's Hospital of Eastern Ontario
Classification: Benign for Cardiomyopathy. Last evaluated: 2022-04-05. Review status: criteria provided, single submitter. Criteria: ACMG Guidelines, 2015. Collection method: clinical testing. Allele origin: germline.

Ambry Genetics
Classification: Likely benign for Cardiovascular phenotype. Last evaluated: 2019-06-14. Review status: criteria provided, single submitter. Criteria: Ambry Variant Classification Scheme 2023. Collection method: clinical testing. Allele origin: germline.

Athena Diagnostics
Classification: Benign. Last evaluated: 2017-06-29. Review status: criteria provided, single submitter. Criteria: Athena Diagnostics Criteria. Collection method: clinical testing. Allele origin: germline.

GeneDx
Classification: Benign. Last evaluated: 2016-10-19. Review status: criteria provided, single submitter. Criteria: GeneDx Variant Classification (06012015). Collection method: clinical testing. Allele origin: germline. Affected: yes.
Comment: This variant is considered likely benign or benign based on one or more of the following criteria: it is a conservative change, it occurs at a poorly conserved position in the protein, it is predicted to be benign by multiple in silico algorithms, and/or has population frequency not consistent with disease.

Eurofins Ntd Llc (ga)
Classification: Uncertain significance. Last evaluated: 2016-04-07. Review status: criteria provided, single submitter. Criteria: EGL Classification Definitions 2015. Collection method: clinical testing. Allele origin: germline. Observed: 2 variant alleles, 2 heterozygotes.

PreventionGenetics, part of Exact Sciences
Classification: Likely benign for FLNC-related condition. Last evaluated: 2020-04-15. Review status: no assertion criteria provided. Collection method: clinical testing. Allele origin: germline. Not counted in ClinVar's aggregate classification.
Comment: This variant is classified as likely benign based on ACMG/AMP sequence variant interpretation guidelines (Richards et al. 2015 PMID: 25741868, with internal and published modifications).

Clinical Genetics DNA and cytogenetics Diagnostics Lab, Erasmus MC, Erasmus Medical Center
Classification: Likely benign. Review status: no assertion criteria provided. Collection method: clinical testing. Allele origin: germline. Affected: yes. Study: VKGL Data-share Consensus. Not counted in ClinVar's aggregate classification.

Clinical Genetics, Academic Medical Center
Classification: Benign. Review status: no assertion criteria provided. Collection method: clinical testing. Allele origin: germline. Affected: yes. Study: VKGL Data-share Consensus. Not counted in ClinVar's aggregate classification.

Genome Diagnostics Laboratory, University Medical Center Utrecht
Classification: Likely benign. Review status: no assertion criteria provided. Collection method: clinical testing. Allele origin: germline. Affected: yes. Study: VKGL Data-share Consensus. Not counted in ClinVar's aggregate classification.

Joint Genome Diagnostic Labs from Nijmegen and Maastricht, Radboudumc and MUMC+
Classification: Likely benign. Review status: no assertion criteria provided. Collection method: clinical testing. Allele origin: germline. Affected: yes. Study: VKGL Data-share Consensus. Not counted in ClinVar's aggregate classification.

Literature cited by the submitters: PubMed 28356264 (cited by Ambry Genetics and Athena Diagnostics).